The following is an entry in ClinVar:

NM_004415.4(DSP):c.1881T>C (p.Pro627=)

Gene: DSP (desmoplakin; plus strand). Cytogenetic location: 6p24.3.
Variant type: single nucleotide variant.
Coding change: c.1881T>C on transcript NM_004415.4 (MANE Select); coding-DNA position 1881, T replaced by C.
Protein change: p.Pro627=; no amino-acid change (proline 627 retained).
Molecular consequence: synonymous variant.
Genome position (GRCh38, 1-based): chr6:7,571,562, T>C. VCF-style: chr6-7571562-T-C. GRCh37 (hg19) VCF-style: chr6-7571795-T-C.
Other names: c.1881T>C, p.Pro627= (NM_001008844.3, NM_001319034.2).
Identifiers: ClinVar variation 3386637 (VCV003386637.1).

ClinVar aggregate classification (germline): Likely benign (1 of 4 stars; one submission).

Conditions:
Arrhythmogenic cardiomyopathy with wooly hair and keratoderma. Also called: Carvajal syndrome; PALMOPLANTAR KERATODERMA WITH LEFT VENTRICULAR CARDIOMYOPATHY AND WOOLLY HAIR; Dilated cardiomyopathy with woolly hair and keratoderma; Arrhythmogenic cardiomyopathy with woolly hair and keratoderma. Identifiers: Orphanet 65282, MedGen C1854063, MONDO:0011581, OMIM 605676.

gnomAD v4.1: 1 of 1,614,212 alleles (0.000062%); no homozygotes.

Submission:

All of Us Research Program, National Institutes of Health
Classification: Likely benign for Arrhythmogenic cardiomyopathy with wooly hair and keratoderma. Last evaluated: 2024-03-24. Review status: criteria provided, single submitter. Criteria: ACMG Guidelines, 2015. Collection method: clinical testing. Allele origin: germline. Inheritance: Autosomal dominant inheritance. Observed: 1 variant allele, 1 heterozygote.
Comment: This study involves interpretation of variants in research participants for the purpose of population health screening. Participant phenotype was not available at the time of variant classification. Additional details can be found in publication PMID: 35346344, PMCID: PMC8962531